The following is an entry in ClinVar:

ClinVar aggregate classification (germline): Uncertain significance (1 of 4 stars; one submission).

Allele frequency attached by ClinVar (database versions not stated): ExAC 0.00003; gnomAD exomes 0.00003; gnomAD 0.00004 and 0.00005; TOPMed 0.00009.
gnomAD v4.1: 33 of 1,612,314 alleles (0.002%); highest among the groups gnomAD compares: Admixed American, 0.015%; no homozygotes.

Submission:

Labcorp Genetics (formerly Invitae), Labcorp
Classification: Uncertain significance. Last evaluated: 2021-08-28. Review status: criteria provided, single submitter. Criteria: Invitae Variant Classification Sherloc (09022015). Collection method: clinical testing. Allele origin: germline.
Comment: This sequence change replaces alanine with valine at codon 346 of the POP1 protein (p.Ala346Val). The alanine residue is weakly conserved and there is a small physicochemical difference between alanine and valine. This variant is present in population databases (rs767629124, ExAC 0.01%). This variant has not been reported in the literature in individuals affected with POP1-related conditions. Algorithms developed to predict the effect of missense changes on protein structure and function output the following: SIFT: "Tolerated"; PolyPhen-2: "Benign"; Align-GVGD: "Class C0". The valine amino acid residue is found in multiple mammalian species, which suggests that this missense change does not adversely affect protein function. In summary, the available evidence is currently insufficient to determine the role of this variant in disease. Therefore, it has been classified as a Variant of Uncertain Significance.

NM_001145860.2(POP1):c.1037C>T (p.Ala346Val)

Gene: POP1 (POP1 homolog, ribonuclease P/MRP subunit; plus strand). Cytogenetic location: 8q22.2.
Variant type: single nucleotide variant.
Coding change: c.1037C>T on transcript NM_001145860.2 (MANE Select); coding-DNA position 1037, C replaced by T.
Protein change: p.Ala346Val; replaces alanine 346 with valine.
Molecular consequence: missense variant.
Genome position (GRCh38, 1-based): chr8:98,136,507, C>T. VCF-style: chr8-98136507-C-T. GRCh37 (hg19) VCF-style: chr8-99148735-C-T.
Other names: c.1037C>T, p.Ala346Val (NM_001145861.2, NM_015029.3); short protein forms A346V.
Identifiers: ClinVar variation 1511939 (VCV001511939.5), dbSNP rs767629124, ClinGen allele CA4820480.